The following is an entry in ClinVar:

NC_000009.12:g.35658023_35658024insTCAGCTTCACAGAGTAGTT

Gene: RMRP (RNA component of mitochondrial RNA processing endoribonuclease; minus strand). Cytogenetic location: 9p13.3.
Variant type: Insertion.
Genome position: GRCh38 VCF-style: chr9-35658023-C-CTCAGCTTCACAGAGTAGTT. GRCh37 (hg19) VCF-style: chr9-35658020-C-CTCAGCTTCACAGAGTAGTT.
Identifiers: ClinVar variation 1068141 (VCV001068141.4), dbSNP rs1554651439, ClinGen allele CA587570203.

ClinVar aggregate classification (germline): Likely pathogenic. Review status: criteria provided, multiple submitters, no conflicts (2 of 4 stars). 2 submissions from 2 submitters: Likely pathogenic (2). Last evaluated 2025-08-04.

Conditions:
Metaphyseal chondrodysplasia, McKusick type (CHH). Also called: Cartilage-Hair Hypoplasia (CHH); Cartilage-hair hypoplasia. Identifiers: Orphanet 175, MedGen C0220748, MONDO:0009595, OMIM 250250.
Anauxetic dysplasia. Identifiers: Orphanet 93347, MedGen C1846796, MONDO:0011773.

Submissions (2):

Natera, Inc.
Classification: Likely pathogenic for Cartilage-hair hypoplasia. Last evaluated: 2025-08-04. Review status: criteria provided, single submitter. Criteria: Natera Variant Classification Schema (03/2026). Collection method: clinical testing. Allele origin: germline.
Comment: The n.-6_-5insAACTACTCTGTGAAGCTGA variant in RMRP is an insertion affecting the RMRP promoter region between the TATA box and the transcription initiation site. Other duplications and insertions just upstream of the transcription initiation site have been reported in individuals affected with cartilage-hair hypoplasia (PMID: 11207361, 17937437). This variant is rare in the general population with a frequency below the threshold expected for the associated phenotype(s). Given the available evidence, this variant is classified as Likely pathogenic.

Labcorp Genetics (formerly Invitae), Labcorp
Classification: Likely pathogenic for Anauxetic dysplasia. Last evaluated: 2021-07-29. Review status: criteria provided, single submitter. Criteria: Invitae Variant Classification Sherloc (09022015). Collection method: clinical testing. Allele origin: germline.

Literature cited by the submitters: PubMed 11207361 (cited by Natera, Inc.); PubMed 17937437 (cited by Natera, Inc.).